The following is an entry in ClinVar:

ClinVar aggregate classification (germline): Uncertain significance (1 of 4 stars; one submission).

Submission:

Laboratory for Molecular Medicine, Mass General Brigham Personalized Medicine
Classification: Uncertain significance. Last evaluated: 2012-11-07. Review status: criteria provided, single submitter. Criteria: LMM Criteria. Collection method: clinical testing. Allele origin: germline. Observed: 1 variant allele.
Comment: Variant classified as Uncertain Significance - Favor Benign. The 991-14_991-11de lCTGT variant in TMPO has not been reported in the literature nor previously ide ntified by our laboratory. Computational tools do not suggest an impact to splic ing, though this information is not predictive enough to rule out pathogenicity. Additional information is needed to fully assess the clinical significance of t his variant.

NM_001032283.3(TMPO):c.991-14_991-11del

Gene: TMPO (thymopoietin; plus strand). Cytogenetic location: 12q23.1.
Variant type: Deletion.
Coding change: c.991-14_991-11del on transcript NM_001032283.3 (MANE Select); 14 bases into the intron before coding-DNA position 991 through 11 bases into the intron before coding-DNA position 991, 4 bases deleted (CTGT; older notation c.991-14_991-11delCTGT).
Molecular consequence: intron variant.
Genome position (GRCh38, 1-based): chr12:98,546,345-98,546,348, CTGT deleted; deleting any 4 consecutive bases within chr12:98,546,342-98,546,348 gives the same sequence; the c. name uses the placement nearest the transcript's 3' end. VCF-style (leftmost placement, unchanged base first): chr12-98546341-TTGTC-T. GRCh37 (hg19) VCF-style: chr12-98940119-TTGTC-T.
Other names: c.991-14_991-11delCTGT (NM_001032283.2); c.871-14_871-11del (NM_001307975.2); c.664-14_664-11del (NM_001032284.3).
Identifiers: ClinVar variation 43694 (VCV000043694.5), dbSNP rs397516495, ClinGen allele CA132914.